The following is an entry in ClinVar:

ClinVar aggregate classification (germline): Uncertain significance (1 of 4 stars; one submission).

Conditions:
Autosomal recessive ataxia, Beauce type. Also called: SYNE1-Related Autosomal Recessive Cerebellar Ataxia; Spinocerebellar ataxia, autosomal recessive 8; ATAXIA, RECESSIVE, OF BEAUCE; SYNE1 Deficiency. Identifiers: Orphanet 88644, MedGen C1853116, MONDO:0012549, OMIM 610743.
Emery-Dreifuss muscular dystrophy 4, autosomal dominant (EDMD4). Also called: EMERY-DREIFUSS MUSCULAR DYSTROPHY 4 WITH VARIABLE FEATURES. Identifiers: Orphanet 261, MedGen C2751807, MONDO:0013071, OMIM 612998.

Allele frequency attached by ClinVar (database versions not stated): TOPMed 0.00001; ExAC 0.00002; gnomAD 0.00002; gnomAD exomes 0.00002.
gnomAD v4.1: 27 of 1,614,038 alleles (0.0017%); highest among the groups gnomAD compares: Non-Finnish European, 0.0021%; no homozygotes.

Submission:

Labcorp Genetics (formerly Invitae), Labcorp
Classification: Uncertain significance for Emery-Dreifuss muscular dystrophy 4, autosomal dominant; Autosomal recessive ataxia, Beauce type. Last evaluated: 2022-05-27. Review status: criteria provided, single submitter. Criteria: Invitae Variant Classification Sherloc (09022015). Collection method: clinical testing. Allele origin: germline.
Comment: This variant is present in population databases (rs774417773, gnomAD 0.004%). In summary, the available evidence is currently insufficient to determine the role of this variant in disease. Therefore, it has been classified as a Variant of Uncertain Significance. Algorithms developed to predict the effect of missense changes on protein structure and function output the following: SIFT: "Tolerated"; PolyPhen-2: "Benign"; Align-GVGD: "Class C0". The threonine amino acid residue is found in multiple mammalian species, which suggests that this missense change does not adversely affect protein function. This variant has not been reported in the literature in individuals affected with SYNE1-related conditions. This sequence change replaces alanine, which is neutral and non-polar, with threonine, which is neutral and polar, at codon 7250 of the SYNE1 protein (p.Ala7250Thr).

NM_182961.4(SYNE1):c.21961G>A (p.Ala7321Thr)

Gene: SYNE1 (spectrin repeat containing nuclear envelope protein 1; minus strand). Cytogenetic location: 6q25.2.
Variant type: single nucleotide variant.
Coding change: c.21961G>A on transcript NM_182961.4 (MANE Select); coding-DNA position 21961, G replaced by A.
Protein change: p.Ala7321Thr; replaces alanine 7321 with threonine.
Molecular consequence: missense variant.
Genome position (GRCh38, 1-based): chr6:152,219,086, C>T on the plus strand (G>A on the coding strand, the complement: SYNE1 is on the minus strand). VCF-style: chr6-152219086-C-T. GRCh37 (hg19) VCF-style: chr6-152540221-C-T.
Other names: c.21748G>A, p.Ala7250Thr (NM_033071.5); short protein forms A7321T, A7250T.
Identifiers: ClinVar variation 2159613 (VCV002159613.4), dbSNP rs774417773, ClinGen allele CA4054010.
Genomic context (GRCh38, chr6:152,219,086, plus strand): 5'-AGAGAGCTTGCTCCAGGGCACACAAGTGTTGACTCAAAGAGAGTTGATCCGATTGAATAG[C>T]TGATGCTGCGGAAGCATCCACTTGTTGCTTCAGTTGCTCTCCCAGCTCATGGAGAAAAAA-3'
Protein context (NP_892006.3, residues 7311-7331): KQQVDASAAS[Ala7321Thr]IQSDQLSLSQ